The following is an entry in ClinVar:

NM_021961.6(TEAD1):c.721C>T (p.His241Tyr)

Gene: TEAD1 (TEA domain transcription factor 1; plus strand). Cytogenetic location: 11p15.3.
Variant type: single nucleotide variant.
Coding change: c.721C>T on transcript NM_021961.6 (MANE Select); coding-DNA position 721, C replaced by T.
Protein change: p.His241Tyr; replaces histidine 241 with tyrosine.
Molecular consequence: missense variant.
Genome position (GRCh38, 1-based): chr11:12,901,961, C>T. VCF-style: chr11-12901961-C-T. GRCh37 (hg19) VCF-style: chr11-12923508-C-T.
Other names: short protein forms H241Y.
Identifiers: ClinVar variation 2125122 (VCV002125122.4), dbSNP rs868060188, ClinGen allele CA379714406.
Genomic context (GRCh38, chr11:12,901,961, plus strand): 5'-AGAGTTTGTAATGGGAATGTTTCTGTTGGTTTCTTACAGTACAACAAACACCTCTTCGTG[C>T]ACATTGGGCATGCCAACCATTCTTACAGTGACCCATTGCTTGAATCAGTGGACATTCGTC-3'
Protein context (NP_068780.2, residues 231-251): PDSYNKHLFV[His241Tyr]IGHANHSYSD

ClinVar aggregate classification (germline): Uncertain significance (1 of 4 stars; one submission).

Submission:

Labcorp Genetics (formerly Invitae), Labcorp
Classification: Uncertain significance. Last evaluated: 2022-04-12. Review status: criteria provided, single submitter. Criteria: Invitae Variant Classification Sherloc (09022015). Collection method: clinical testing. Allele origin: germline.
Comment: In summary, the available evidence is currently insufficient to determine the role of this variant in disease. Therefore, it has been classified as a Variant of Uncertain Significance. Algorithms developed to predict the effect of missense changes on protein structure and function are either unavailable or do not agree on the potential impact of this missense change (SIFT: "Tolerated"; PolyPhen-2: "Possibly Damaging"; Align-GVGD: "Class C0"). This variant has not been reported in the literature in individuals affected with TEAD1-related conditions. This variant is not present in population databases (gnomAD no frequency). This sequence change replaces histidine, which is basic and polar, with tyrosine, which is neutral and polar, at codon 241 of the TEAD1 protein (p.His241Tyr).